The following is an entry in ClinVar:

ClinVar aggregate classification (germline): Uncertain significance (1 of 4 stars; one submission).

Conditions:
Hyper-IgE recurrent infection syndrome 1, autosomal dominant. Also called: JOB SYNDROME; Job's Syndrome; STAT3 Hyper IgE Syndrome; Hyper-IgE recurrent infection syndrome 1; HYPER-IgE SYNDROME 1, AUTOSOMAL DOMINANT, WITH RECURRENT INFECTIONS. Identifiers: Orphanet 2314, MedGen C2936739, MONDO:0007818, OMIM 147060.
STAT3 gain of function. Identifiers: MedGen C4288261.

Submission:

Labcorp Genetics (formerly Invitae), Labcorp
Classification: Uncertain significance for STAT3 gain of function; Hyper-IgE recurrent infection syndrome 1, autosomal dominant. Last evaluated: 2022-08-23. Review status: criteria provided, single submitter. Criteria: Invitae Variant Classification Sherloc (09022015). Collection method: clinical testing. Allele origin: germline.
Comment: This sequence change replaces serine, which is neutral and polar, with threonine, which is neutral and polar, at codon 219 of the STAT3 protein (p.Ser219Thr). This variant is not present in population databases (gnomAD no frequency). This variant has not been reported in the literature in individuals affected with STAT3-related conditions. Advanced modeling of protein sequence and biophysical properties (such as structural, functional, and spatial information, amino acid conservation, physicochemical variation, residue mobility, and thermodynamic stability) performed at Invitae indicates that this missense variant is not expected to disrupt STAT3 protein function. In summary, the available evidence is currently insufficient to determine the role of this variant in disease. Therefore, it has been classified as a Variant of Uncertain Significance.

NM_139276.3(STAT3):c.656G>C (p.Ser219Thr)

Genes: STAT3 (signal transducer and activator of transcription 3; minus strand), LOC130060888 (ATAC-STARR-seq lymphoblastoid active region 12197; plus strand). Cytogenetic location: 17q21.2.
Variant type: single nucleotide variant.
Coding change: c.656G>C on transcript NM_139276.3 (MANE Select); coding-DNA position 656, G replaced by C.
Protein change: p.Ser219Thr; replaces serine 219 with threonine.
Molecular consequence: missense variant.
Genome position (GRCh38, 1-based): chr17:42,337,576, C>G on the plus strand (G>C on the coding strand, the complement: STAT3 is on the minus strand). VCF-style: chr17-42337576-C-G. GRCh37 (hg19) VCF-style: chr17-40489594-C-G.
Other names: c.578G>C, p.Ser193Thr (NM_001384985.1); c.656G>C, p.Ser219Thr (NM_001384986.1, NM_001384987.1, NM_001384988.1 and 15 more transcripts); c.560G>C, p.Ser187Thr (NM_001384989.1); short protein forms S187T, S193T, S219T.
Identifiers: ClinVar variation 1717866 (VCV001717866.6), dbSNP rs762301765, ClinGen allele CA290742863.